The following is an entry in ClinVar:

NM_000051.4(ATM):c.3541A>T (p.Lys1181Ter)

Gene: ATM (ATM serine/threonine kinase; plus strand). Cytogenetic location: 11q22.3.
Variant type: single nucleotide variant.
Coding change: c.3541A>T on transcript NM_000051.4 (MANE Select); coding-DNA position 3541, A replaced by T.
Protein change: p.Lys1181Ter; replaces lysine 1181 with a stop codon.
Molecular consequence: nonsense.
Genome position (GRCh38, 1-based): chr11:108,281,133, A>T. VCF-style: chr11-108281133-A-T. GRCh37 (hg19) VCF-style: chr11-108151860-A-T.
Other names: c.3541A>T, p.Lys1181Ter (NM_001351834.2); short protein forms K1181*.
Identifiers: ClinVar variation 371071 (VCV000371071.26), dbSNP rs1057516981, ClinGen allele CA16041401.

ClinVar aggregate classification (germline): Pathogenic. Review status: criteria provided, multiple submitters, no conflicts (2 of 4 stars). 8 submissions from 8 submitters: Pathogenic (7). 1 of the submissions does not count toward it. Last evaluated 2025-07-22.

Conditions:
Hereditary cancer-predisposing syndrome. Also called: Tumor predisposition; Hereditary Cancer Syndrome; Hereditary neoplastic syndrome; Neoplastic Syndromes, Hereditary. Identifiers: Orphanet 140162, MedGen C0027672, MeSH D009386, MONDO:0015356.
Familial cancer of breast. Also called: Hereditary breast cancer; BREAST CANCER, FAMILIAL; hereditary breast carcinoma. Identifiers: Orphanet 227535, MedGen C0346153, MONDO:0016419, OMIM 114480. Disease mechanism: loss of function.
Ataxia-telangiectasia syndrome (AT). Also called: ATAXIA-TELANGIECTASIA, COMPLEMENTATION GROUP A; ATAXIA-TELANGIECTASIA, FRESNO VARIANT; Ataxia-telangiectasia; Ataxia telangiectasia (A-T); Cerebello-oculocutaneous telangiectasia; Immunodeficiency with ataxia telangiectasia. Identifiers: Orphanet 100, MedGen C0004135, MONDO:0008840, OMIM 208900.

Allele frequency attached by ClinVar (database versions not stated): gnomAD exomes below 0.00001.
gnomAD v4.1: 3 of 1,614,042 alleles (0.00019%); highest among the groups gnomAD compares: Non-Finnish European, 0.00025%; no homozygotes.

Submissions (8):

GeneDx
Classification: Pathogenic. Last evaluated: 2025-07-22. Review status: criteria provided, single submitter. Criteria: GeneDx Variant Classification Process June 2021. Collection method: clinical testing. Allele origin: germline. Affected: yes.
Comment: Nonsense variant predicted to result in protein truncation or nonsense mediated decay in a gene for which loss of function is a known mechanism of disease; Identified with another pathogenic ATM variant in a patient with ataxia-telangiectasia in published literature (PMID: 18321536); Truncating variants in this gene are considered pathogenic by a well-established clinical consortium and/or database; Not observed at significant frequency in large population cohorts (gnomAD); This variant is associated with the following publications: (PMID: 25525159, 18321536)

Labcorp Genetics (formerly Invitae), Labcorp
Classification: Pathogenic for Ataxia-telangiectasia syndrome. Last evaluated: 2025-07-14. Review status: criteria provided, single submitter. Criteria: Invitae Variant Classification Sherloc (09022015). Collection method: clinical testing. Allele origin: germline.
Comment: This sequence change creates a premature translational stop signal (p.Lys1181*) in the ATM gene. It is expected to result in an absent or disrupted protein product. Loss-of-function variants in ATM are known to be pathogenic (PMID: 23807571, 25614872). This variant is not present in population databases (gnomAD no frequency). This premature translational stop signal has been observed in individual(s) with ataxia-telangiectasia (PMID: 18321536). ClinVar contains an entry for this variant (Variation ID: 371071). Algorithms developed to predict the effect of sequence changes on RNA splicing suggest that this variant may disrupt the consensus splice site. For these reasons, this variant has been classified as Pathogenic.

Myriad Genetics, Inc.
Classification: Pathogenic for Familial cancer of breast. Last evaluated: 2024-01-22. Review status: criteria provided, single submitter. Criteria: Myriad Autosomal Dominant, Autosomal Recessive and X-Linked Classification Criteria (2023). Collection method: clinical testing. Allele origin: unknown.
Comment: This variant is considered pathogenic. This variant creates a termination codon and is predicted to result in premature protein truncation.

Ambry Genetics
Classification: Pathogenic for Hereditary cancer-predisposing syndrome. Last evaluated: 2023-03-03. Review status: criteria provided, single submitter. Criteria: Ambry Variant Classification Scheme 2023. Collection method: clinical testing. Allele origin: germline.
Comment: The p.K1181* pathogenic mutation (also known as c.3541A>T), located in coding exon 23 of the ATM gene, results from an A to T substitution at nucleotide position 3541. This changes the amino acid from a lysine to a stop codon within coding exon 23. This alteration is expected to result in loss of function by premature protein truncation or nonsense-mediated mRNA decay. As such, this alteration is interpreted as a disease-causing mutation.

Baylor Genetics
Classification: Pathogenic for Familial cancer of breast. Last evaluated: 2023-03-02. Review status: criteria provided, single submitter. Criteria: ACMG Guidelines, 2015. Collection method: clinical testing. Allele origin: unknown.

Revvity Omics, Revvity
Classification: Pathogenic for Ataxia-telangiectasia syndrome. Last evaluated: 2022-01-24. Review status: criteria provided, single submitter. Criteria: ACMG Guidelines, 2015. Collection method: clinical testing. Allele origin: germline.

Color Diagnostics, LLC DBA Color Health
Classification: Pathogenic for Hereditary cancer-predisposing syndrome. Last evaluated: 2020-01-15. Review status: criteria provided, single submitter. Criteria: ACMG Guidelines, 2015. Collection method: clinical testing. Allele origin: germline.
Comment: This variant changes 1 nucleotide in exon 24 of the ATM gene, creating a premature translation stop signal. This variant is expected to result in an absent or non-functional protein product. This variant has not been identified in the general population by the Genome Aggregation Database (gnomAD). Loss of ATM function is a known mechanism of disease. Based on the available evidence, this variant is classified as Pathogenic.

Counsyl
Classification: Likely pathogenic for Ataxia-telangiectasia syndrome. Last evaluated: 2016-06-21. Review status: no assertion criteria provided. Collection method: clinical testing. Allele origin: unknown. Not counted in ClinVar's aggregate classification.

Literature cited by the submitters: PubMed 23807571 (cited by Labcorp Genetics (formerly Invitae), Labcorp); PubMed 25614872 (cited by Labcorp Genetics (formerly Invitae), Labcorp); PubMed 18321536 (cited by Labcorp Genetics (formerly Invitae), Labcorp and Counsyl).